The following is an entry in ClinVar:

NM_001621.5(AHR):c.2353C>G (p.Gln785Glu)

Gene: AHR (aryl hydrocarbon receptor; plus strand). Cytogenetic location: 7p21.1.
Variant type: single nucleotide variant.
Coding change: c.2353C>G on transcript NM_001621.5 (MANE Select); coding-DNA position 2353, C replaced by G.
Protein change: p.Gln785Glu; replaces glutamine 785 with glutamic acid.
Molecular consequence: missense variant.
Genome position (GRCh38, 1-based): chr7:17,340,178, C>G. VCF-style: chr7-17340178-C-G. GRCh37 (hg19) VCF-style: chr7-17379802-C-G.
Other names: short protein forms Q785E.
Identifiers: ClinVar variation 1471989 (VCV001471989.6), dbSNP rs762430735, ClinGen allele CA4172277.

ClinVar aggregate classification (germline): Uncertain significance (1 of 4 stars; one submission).

Allele frequency attached by ClinVar (database versions not stated): gnomAD exomes below 0.00001; ExAC 0.00001.

Submission:

Labcorp Genetics (formerly Invitae), Labcorp
Classification: Uncertain significance. Last evaluated: 2023-12-07. Review status: criteria provided, single submitter. Criteria: Invitae Variant Classification Sherloc (09022015). Collection method: clinical testing. Allele origin: germline.
Comment: This sequence change replaces glutamine, which is neutral and polar, with glutamic acid, which is acidic and polar, at codon 785 of the AHR protein (p.Gln785Glu). This variant is present in population databases (rs762430735, gnomAD 0.0009%). This variant has not been reported in the literature in individuals affected with AHR-related conditions. ClinVar contains an entry for this variant (Variation ID: 1471989). An algorithm developed to predict the effect of missense changes on protein structure and function (PolyPhen-2) suggests that this variant is likely to be tolerated. In summary, the available evidence is currently insufficient to determine the role of this variant in disease. Therefore, it has been classified as a Variant of Uncertain Significance.